The following is an entry in ClinVar:

NM_018341.3(ERMARD):c.379A>G (p.Met127Val)

Gene: ERMARD (ER membrane associated RNA degradation; plus strand). Cytogenetic location: 6q27.
Variant type: single nucleotide variant.
Coding change: c.379A>G on transcript NM_018341.3 (MANE Select); coding-DNA position 379, A replaced by G.
Protein change: p.Met127Val; replaces methionine 127 with valine.
Molecular consequence: missense variant. On other transcripts: initiator codon variant (2).
Genome position (GRCh38, 1-based): chr6:169,756,401, A>G. VCF-style: chr6-169756401-A-G. GRCh37 (hg19) VCF-style: chr6-170156497-A-G.
Other names: c.379A>G, p.Met127Val (NM_001278531.2, NM_001278533.2); c.1A>G, p.Met1Val (NM_001278532.2, NM_001410957.1); c.379A>G (NM_018341.1); short protein forms M1V, M127V.
Identifiers: ClinVar variation 2721428 (VCV002721428.5), dbSNP rs771533881, ClinGen allele CA4105820.

ClinVar aggregate classification (germline): Uncertain significance. Review status: criteria provided, multiple submitters, no conflicts (2 of 4 stars). 3 submissions from 3 submitters: Uncertain significance (3). Last evaluated 2025-06-10.

Allele frequency attached by ClinVar (database versions not stated): gnomAD exomes below 0.00001; ExAC 0.00002; TOPMed 0.00003; gnomAD 0.00004.

Submissions (3):

Ambry Genetics
Classification: Uncertain significance. Last evaluated: 2025-06-10. Review status: criteria provided, single submitter. Criteria: Ambry Variant Classification Scheme 2023. Collection method: clinical testing. Allele origin: germline.

Women's Health and Genetics/Laboratory Corporation of America, LabCorp
Classification: Uncertain significance. Last evaluated: 2024-08-30. Review status: criteria provided, single submitter. Criteria: LabCorp Variant Classification Summary - May 2015. Collection method: clinical testing. Allele origin: germline.
Comment: Variant summary: ERMARD c.379A>G (p.Met127Val) results in a conservative amino acid change in the encoded protein sequence. Four of five in-silico tools predict a benign effect of the variant on protein function. The variant allele was found at a frequency of 1.6e-05 in 249620 control chromosomes. The available data on variant occurrences in the general population are insufficient to allow any conclusion about variant significance. To our knowledge, no occurrence of c.379A>G in individuals affected with Periventricular Nodular Heterotopia 6 and no experimental evidence demonstrating its impact on protein function have been reported. ClinVar contains an entry for this variant (Variation ID: 2721428). Based on the evidence outlined above, the variant was classified as uncertain significance.

Labcorp Genetics (formerly Invitae), Labcorp
Classification: Uncertain significance. Last evaluated: 2022-12-20. Review status: criteria provided, single submitter. Criteria: Invitae Variant Classification Sherloc (09022015). Collection method: clinical testing. Allele origin: germline.
Comment: In summary, the available evidence is currently insufficient to determine the role of this variant in disease. Therefore, it has been classified as a Variant of Uncertain Significance. Advanced modeling of protein sequence and biophysical properties (such as structural, functional, and spatial information, amino acid conservation, physicochemical variation, residue mobility, and thermodynamic stability) performed at Invitae indicates that this missense variant is expected to disrupt ERMARD protein function. This variant has not been reported in the literature in individuals affected with ERMARD-related conditions. This variant is present in population databases (rs771533881, gnomAD 0.02%). This sequence change replaces methionine, which is neutral and non-polar, with valine, which is neutral and non-polar, at codon 127 of the ERMARD protein (p.Met127Val).